The following is an entry in ClinVar:

NM_001953.5(TYMP):c.516+4C>A

Gene: TYMP (thymidine phosphorylase; minus strand). Cytogenetic location: 22q13.33.
Variant type: single nucleotide variant.
Coding change: c.516+4C>A on transcript NM_001953.5 (MANE Select); 4 bases into the intron after coding-DNA position 516, C replaced by A.
Molecular consequence: intron variant.
Genome position (GRCh38, 1-based): chr22:50,528,508, G>T on the plus strand (C>A on the coding strand, the complement: TYMP is on the minus strand). VCF-style: chr22-50528508-G-T. GRCh37 (hg19) VCF-style: chr22-50966937-G-T.
Other names: c.516+4C>A (NM_001257989.1, NM_001257988.1, NM_001113755.3 and 1 more transcripts).
Identifiers: ClinVar variation 2166821 (VCV002166821.1), dbSNP rs369574115, ClinGen allele CA10321742.

ClinVar aggregate classification (germline): Uncertain significance (1 of 4 stars; one submission).

Allele frequency attached by ClinVar (database versions not stated): ExAC 0.00001.
gnomAD v4.1: 13 of 1,613,298 alleles (0.00081%); highest among the groups gnomAD compares: Admixed American, 0.0017%; no homozygotes.

Submission:

Labcorp Genetics (formerly Invitae), Labcorp
Classification: Uncertain significance. Last evaluated: 2022-08-21. Review status: criteria provided, single submitter. Criteria: Invitae Variant Classification Sherloc (09022015). Collection method: clinical testing. Allele origin: germline.
Comment: This sequence change falls in intron 4 of the TYMP gene. It does not directly change the encoded amino acid sequence of the TYMP protein. It affects a nucleotide within the consensus splice site. This variant is present in population databases (rs369574115, gnomAD 0.003%). This variant has not been reported in the literature in individuals affected with TYMP-related conditions. Variants that disrupt the consensus splice site are a relatively common cause of aberrant splicing (PMID: 17576681, 9536098). Algorithms developed to predict the effect of sequence changes on RNA splicing suggest that this variant is not likely to affect RNA splicing. In summary, the available evidence is currently insufficient to determine the role of this variant in disease. Therefore, it has been classified as a Variant of Uncertain Significance.

Literature cited by the submitters: PubMed 17576681; PubMed 9536098.